The following is an entry in ClinVar:

NM_003072.5(SMARCA4):c.2703T>C (p.Tyr901=)

Gene: SMARCA4 (SWI/SNF related BAF chromatin remodeling complex subunit ATPase 4; plus strand). Cytogenetic location: 19p13.2.
Variant type: single nucleotide variant.
Coding change: c.2703T>C on transcript NM_003072.5 (MANE Select); coding-DNA position 2703, T replaced by C.
Protein change: p.Tyr901=; no amino-acid change (tyrosine 901 retained).
Molecular consequence: synonymous variant. On other transcripts: non-coding transcript variant (1).
Genome position (GRCh38, 1-based): chr19:11,021,811, T>C. VCF-style: chr19-11021811-T-C. GRCh37 (hg19) VCF-style: chr19-11132487-T-C.
Other names: c.2703T>C, p.Tyr901= (NM_001128844.3, NM_001128845.2, NM_001128846.2 and 4 more transcripts).
Identifiers: ClinVar variation 729392 (VCV000729392.22), dbSNP rs1600278283, ClinGen allele CA505743558.

ClinVar aggregate classification (germline): Likely benign. Review status: criteria provided, multiple submitters, no conflicts (2 of 4 stars). 4 submissions from 4 submitters: Likely benign (3). 1 of the submissions does not count toward it. Last evaluated 2025-08-01.

Conditions:
SMARCA4-related disorder. Also called: SMARCA4-related condition.
Hereditary cancer-predisposing syndrome. Also called: Hereditary Cancer Syndrome; Neoplastic Syndromes, Hereditary; Hereditary neoplastic syndrome; Tumor predisposition. Identifiers: Orphanet 140162, MedGen C0027672, MeSH D009386, MONDO:0015356.
Rhabdoid tumor predisposition syndrome 2 (RTPS2). Identifiers: Orphanet 231108, Orphanet 69077, MedGen C2750074, MONDO:0013224, OMIM 613325.

Submissions (4):

CeGaT Center for Human Genetics Tuebingen
Classification: Likely benign. Last evaluated: 2025-08-01. Review status: criteria provided, single submitter. Criteria: CeGaT Center For Human Genetics Tuebingen Variant Classification Criteria Version 2. Collection method: clinical testing. Allele origin: germline. Affected: yes. Observed: 1 variant allele.
Comment: SMARCA4: PM2:Supporting, BP4, BP7

Labcorp Genetics (formerly Invitae), Labcorp
Classification: Likely benign for Rhabdoid tumor predisposition syndrome 2. Last evaluated: 2025-01-06. Review status: criteria provided, single submitter. Criteria: Invitae Variant Classification Sherloc (09022015). Collection method: clinical testing. Allele origin: germline.

Ambry Genetics
Classification: Likely benign for Hereditary cancer-predisposing syndrome. Last evaluated: 2021-08-29. Review status: criteria provided, single submitter. Criteria: Ambry Variant Classification Scheme 2023. Collection method: clinical testing. Allele origin: germline.

PreventionGenetics, part of Exact Sciences
Classification: Likely benign for SMARCA4-related condition. Last evaluated: 2024-08-07. Review status: no assertion criteria provided. Collection method: clinical testing. Allele origin: germline. Not counted in ClinVar's aggregate classification.
Comment: This variant is classified as likely benign based on ACMG/AMP sequence variant interpretation guidelines (Richards et al. 2015 PMID: 25741868, with internal and published modifications).